The following is an entry in ClinVar:

NM_152564.5(VPS13B):c.9783C>A (p.Ser3261=)

Gene: VPS13B (vacuolar protein sorting 13 homolog B; plus strand). Cytogenetic location: 8q22.2.
Variant type: single nucleotide variant.
Coding change: c.9783C>A on transcript NM_152564.5 (MANE Select); coding-DNA position 9783, C replaced by A.
Protein change: p.Ser3261=; no amino-acid change (serine 3261 retained).
Molecular consequence: synonymous variant.
Genome position (GRCh38, 1-based): chr8:99,835,579, C>A. VCF-style: chr8-99835579-C-A. GRCh37 (hg19) VCF-style: chr8-100847807-C-A.
Other names: c.9858C>A, p.Ser3286= (NM_017890.5).
Identifiers: ClinVar variation 2905501 (VCV002905501.4), dbSNP rs147242148, ClinGen allele CA462340728.

ClinVar aggregate classification (germline): Likely benign. Review status: criteria provided, single submitter (1 of 4 stars). 2 submissions from 2 submitters: Likely benign (1). 1 of the submissions does not count toward it. Last evaluated 2025-06-19.

Conditions:
VPS13B-related disorder. Also called: VPS13B-related condition.
Cohen syndrome (COH1). Also called: Cutis verticis gyrata, retinitis pigmentosa, and sensorineural deafness; PEPPER SYNDROME. Identifiers: Orphanet 193, MedGen C0265223, MONDO:0008999, OMIM 216550.

gnomAD v4.1: 3 of 1,613,972 alleles (0.00019%); highest among the groups gnomAD compares: African/African-American, 0.004%; no homozygotes.

Submissions (2):

Labcorp Genetics (formerly Invitae), Labcorp
Classification: Likely benign for Cohen syndrome. Last evaluated: 2025-06-19. Review status: criteria provided, single submitter. Criteria: Invitae Variant Classification Sherloc (09022015). Collection method: clinical testing. Allele origin: germline.

PreventionGenetics, part of Exact Sciences
Classification: Likely benign for VPS13B-related condition. Last evaluated: 2023-11-10. Review status: no assertion criteria provided. Collection method: clinical testing. Allele origin: germline. Not counted in ClinVar's aggregate classification.
Comment: This variant is classified as likely benign based on ACMG/AMP sequence variant interpretation guidelines (Richards et al. 2015 PMID: 25741868, with internal and published modifications).